The following is an entry in ClinVar:

ClinVar aggregate classification (germline): Uncertain significance (1 of 4 stars; one submission).

Conditions:
Neurofibromatosis, type 1 (NF1). Also called: VON RECKLINGHAUSEN DISEASE; Neurofibromatosis, type I; NEUROFIBROMATOSIS, TYPE I, SOMATIC; Peripheral type neurofibromatosis. Identifiers: Orphanet 636, MedGen C0027831, MONDO:0018975, OMIM 162200. Disease mechanism: loss of function.

Submission:

Labcorp Genetics (formerly Invitae), Labcorp
Classification: Uncertain significance for Neurofibromatosis, type 1. Last evaluated: 2025-05-13. Review status: criteria provided, single submitter. Criteria: Invitae Variant Classification Sherloc (09022015). Collection method: clinical testing. Allele origin: germline.
Comment: This variant, c.3082_3083delinsTT, is a complex sequence change that results in the deletion and insertion of 1 amino acid(s) in the NF1 protein (p.Asp1028Phe). Information on the frequency of this variant in the gnomAD database is not available, as this variant may be reported differently in the database. This variant has not been reported in the literature in individuals affected with NF1-related conditions. ClinVar contains an entry for this variant (Variation ID: 2765596). An algorithm developed to predict the effect of missense changes on protein structure and function (PolyPhen-2) suggests that this variant is likely to be disruptive. In summary, the available evidence is currently insufficient to determine the role of this variant in disease. Therefore, it has been classified as a Variant of Uncertain Significance.

NM_001042492.3(NF1):c.3082_3083delinsTT (p.Asp1028Phe)

Gene: NF1 (neurofibromin 1; plus strand). Cytogenetic location: 17q11.2.
Variant type: Indel.
Coding change: c.3082_3083delinsTT on transcript NM_001042492.3 (MANE Select); coding-DNA positions 3082 to 3083, GA replaced by TT.
Protein change: p.Asp1028Phe; replaces aspartic acid 1028 with phenylalanine.
Molecular consequence: missense variant.
Genome position (GRCh38, 1-based): chr17:31,230,351-31,230,352, GA replaced by TT. VCF-style: chr17-31230351-GA-TT. GRCh37 (hg19) VCF-style: chr17-29557369-GA-TT.
Other names: c.3082_3083delGAinsTT, p.Asp1028Phe (NM_000267.4); short protein forms D1028F.
Identifiers: ClinVar variation 2765596 (VCV002765596.3), dbSNP rs2508206825, ClinGen allele CA2697559776.